The following is an entry in ClinVar:

NM_006302.3(MOGS):c.344T>A (p.Leu115His)

Gene: MOGS (mannosyl-oligosaccharide glucosidase; minus strand). Cytogenetic location: 2p13.1.
Variant type: single nucleotide variant.
Coding change: c.344T>A on transcript NM_006302.3 (MANE Select); coding-DNA position 344, T replaced by A.
Protein change: p.Leu115His; replaces leucine 115 with histidine.
Molecular consequence: missense variant.
Genome position (GRCh38, 1-based): chr2:74,464,904, A>T on the plus strand (T>A on the coding strand, the complement: MOGS is on the minus strand). VCF-style: chr2-74464904-A-T. GRCh37 (hg19) VCF-style: chr2-74692031-A-T.
Other names: c.26T>A, p.Leu9His (NM_001146158.2); short protein forms L115H, L9H.
Identifiers: ClinVar variation 1019039 (VCV001019039.9), dbSNP rs1265589563, ClinGen allele CA347382333.

ClinVar aggregate classification (germline): Uncertain significance (1 of 4 stars; one submission).

Conditions:
MOGS-congenital disorder of glycosylation. Also called: GLUCOSIDASE I DEFICIENCY; MOGS-CDG; CDG IIb; CDG 2B. Identifiers: Orphanet 79330, MedGen C1853736, MONDO:0011629, OMIM 606056.

Allele frequency attached by ClinVar (database versions not stated): gnomAD exomes below 0.00001.
gnomAD v4.1: 5 of 1,605,756 alleles (0.00031%); highest among the groups gnomAD compares: South Asian, 0.0011%; no homozygotes.

Submission:

Labcorp Genetics (formerly Invitae), Labcorp
Classification: Uncertain significance for MOGS-congenital disorder of glycosylation. Last evaluated: 2022-06-13. Review status: criteria provided, single submitter. Criteria: Invitae Variant Classification Sherloc (09022015). Collection method: clinical testing. Allele origin: germline.
Comment: Algorithms developed to predict the effect of missense changes on protein structure and function are either unavailable or do not agree on the potential impact of this missense change (SIFT: "Deleterious"; PolyPhen-2: "Probably Damaging"; Align-GVGD: "Class C0"). This sequence change replaces leucine, which is neutral and non-polar, with histidine, which is basic and polar, at codon 115 of the MOGS protein (p.Leu115His). The frequency data for this variant in the population databases is considered unreliable, as metrics indicate poor data quality at this position in the gnomAD database. This variant has not been reported in the literature in individuals affected with MOGS-related conditions. ClinVar contains an entry for this variant (Variation ID: 1019039). In summary, the available evidence is currently insufficient to determine the role of this variant in disease. Therefore, it has been classified as a Variant of Uncertain Significance.